The following is an entry in ClinVar:

NM_000204.5(CFI):c.812G>A (p.Cys271Tyr)

Gene: CFI (complement factor I; minus strand). Cytogenetic location: 4q25.
Variant type: single nucleotide variant.
Coding change: c.812G>A on transcript NM_000204.5 (MANE Select); coding-DNA position 812, G replaced by A.
Protein change: p.Cys271Tyr; replaces cysteine 271 with tyrosine.
Molecular consequence: missense variant. On other transcripts: non-coding transcript variant (3).
Genome position (GRCh38, 1-based): chr4:109,760,341, C>T on the plus strand (G>A on the coding strand, the complement: CFI is on the minus strand). VCF-style: chr4-109760341-C-T. GRCh37 (hg19) VCF-style: chr4-110681497-C-T.
Other names: c.812G>A, p.Cys271Tyr (NM_001318057.2, NM_001331035.2, NM_001375278.1 and 5 more transcripts); c.203G>A, p.Cys68Tyr (NM_001375284.1); short protein forms C68Y, C271Y.
Identifiers: ClinVar variation 2061494 (VCV002061494.4), dbSNP rs2545434461, ClinGen allele CA357861346.

ClinVar aggregate classification (germline): Uncertain significance (1 of 4 stars; one submission).

Submission:

Labcorp Genetics (formerly Invitae), Labcorp
Classification: Uncertain significance. Last evaluated: 2022-06-13. Review status: criteria provided, single submitter. Criteria: Invitae Variant Classification Sherloc (09022015). Collection method: clinical testing. Allele origin: germline.
Comment: In summary, the available evidence is currently insufficient to determine the role of this variant in disease. Therefore, it has been classified as a Variant of Uncertain Significance. Advanced modeling of protein sequence and biophysical properties (such as structural, functional, and spatial information, amino acid conservation, physicochemical variation, residue mobility, and thermodynamic stability) performed at Invitae indicates that this missense variant is expected to disrupt CFI protein function. This variant has not been reported in the literature in individuals affected with CFI-related conditions. This variant is not present in population databases (gnomAD no frequency). This sequence change replaces cysteine, which is neutral and slightly polar, with tyrosine, which is neutral and polar, at codon 271 of the CFI protein (p.Cys271Tyr).